The following is an entry in ClinVar:

NM_001382273.1(TNK2):c.1886G>A (p.Arg629Gln)

Gene: TNK2 (tyrosine kinase non receptor 2; minus strand). Cytogenetic location: 3q29.
Variant type: single nucleotide variant.
Coding change: c.1886G>A on transcript NM_001382273.1 (MANE Select); coding-DNA position 1886, G replaced by A.
Protein change: p.Arg629Gln; replaces arginine 629 with glutamine.
Molecular consequence: missense variant. On other transcripts: non-coding transcript variant (15).
Genome position (GRCh38, 1-based): chr3:195,868,412, C>T on the plus strand (G>A on the coding strand, the complement: TNK2 is on the minus strand). VCF-style: chr3-195868412-C-T. GRCh37 (hg19) VCF-style: chr3-195595283-C-T.
Other names: c.1958G>A, p.Arg653Gln (NM_001010938.2, NM_001382272.1); c.1937G>A, p.Arg646Gln (NM_001308046.2, NM_001382271.1); c.1886G>A, p.Arg629Gln (NM_001382274.1, NM_001387716.1, NM_001387717.1 and 1 more transcripts); c.1982G>A, p.Arg661Gln (NM_001382275.1, NM_001387707.1); c.1841G>A, p.Arg614Gln (NM_001386164.1, NM_001387709.1, NM_001387710.1 and 8 more transcripts); c.1913G>A, p.Arg638Gln (NM_001387708.1, NM_001387715.1); short protein forms R646Q, R661Q, R629Q, R638Q, R614Q, R653Q.
Identifiers: ClinVar variation 2472734 (VCV002472734.6), dbSNP rs374257832, ClinGen allele CA2776160.

ClinVar aggregate classification (germline): Uncertain significance. Review status: criteria provided, multiple submitters, no conflicts (2 of 4 stars). 2 submissions from 2 submitters: Uncertain significance (2). Last evaluated 2025-06-08.

Allele frequency attached by ClinVar (database versions not stated): gnomAD exomes 0.00005; TOPMed 0.00006; gnomAD 0.00007; ESP Exome Variant Server 0.00008; ExAC 0.00011.
gnomAD v4.1: 90 of 1,571,490 alleles (0.0057%); highest among the groups gnomAD compares: East Asian, 0.034%; no homozygotes.

Submissions (2):

Ambry Genetics
Classification: Uncertain significance. Last evaluated: 2025-06-08. Review status: criteria provided, single submitter. Criteria: Ambry Variant Classification Scheme 2023. Collection method: clinical testing. Allele origin: germline.

Labcorp Genetics (formerly Invitae), Labcorp
Classification: Uncertain significance. Last evaluated: 2023-12-14. Review status: criteria provided, single submitter. Criteria: Invitae Variant Classification Sherloc (09022015). Collection method: clinical testing. Allele origin: germline.
Comment: This sequence change replaces arginine, which is basic and polar, with glutamine, which is neutral and polar, at codon 692 of the TNK2 protein (p.Arg692Gln). This variant is present in population databases (rs374257832, gnomAD 0.09%), and has an allele count higher than expected for a pathogenic variant. This variant has not been reported in the literature in individuals affected with TNK2-related conditions. ClinVar contains an entry for this variant (Variation ID: 2472734). An algorithm developed to predict the effect of missense changes on protein structure and function (PolyPhen-2) suggests that this variant is likely to be disruptive. In summary, the available evidence is currently insufficient to determine the role of this variant in disease. Therefore, it has been classified as a Variant of Uncertain Significance.